The following is an entry in ClinVar:

ClinVar aggregate classification (germline): Likely benign. Review status: criteria provided, multiple submitters, no conflicts (2 of 4 stars). 2 submissions from 2 submitters: Likely benign (2). Last evaluated 2026-01-01.

Conditions:
FG syndrome (FGS). Identifiers: MedGen C0220769, MONDO:0002010.

Allele frequency attached by ClinVar (database versions not stated): gnomAD exomes below 0.00001 and 0.00001.
gnomAD v4.1: 3 of 1,138,262 alleles (0.00026%); highest among the groups gnomAD compares: Non-Finnish European, 0.00035%; no homozygotes.

Submissions (2):

CeGaT Center for Human Genetics Tuebingen
Classification: Likely benign. Last evaluated: 2026-01-01. Review status: criteria provided, single submitter. Criteria: CeGaT Center For Human Genetics Tuebingen Variant Classification Criteria Version 2. Collection method: clinical testing. Allele origin: germline. Affected: yes. Observed: 1 variant allele.
Comment: MED12: BP4, BP7

Labcorp Genetics (formerly Invitae), Labcorp
Classification: Likely benign for FG syndrome. Last evaluated: 2017-07-14. Review status: criteria provided, single submitter. Criteria: Invitae Variant Classification Sherloc (09022015). Collection method: clinical testing. Allele origin: germline.

NM_005120.3(MED12):c.6327G>A (p.Gln2109=)

Gene: MED12 (mediator complex subunit 12; plus strand). Cytogenetic location: Xq13.1.
Variant type: single nucleotide variant.
Coding change: c.6327G>A on transcript NM_005120.3 (MANE Select); coding-DNA position 6327, G replaced by A.
Protein change: p.Gln2109=; no amino-acid change (glutamine 2109 retained).
Molecular consequence: synonymous variant.
Genome position (GRCh38, 1-based): chrX:71,141,289, G>A. VCF-style: chrX-71141289-G-A. GRCh37 (hg19) VCF-style: chrX-70361139-G-A.
Identifiers: ClinVar variation 458833 (VCV000458833.13), dbSNP rs1333460909, ClinGen allele CA516728514.
Genomic context (GRCh38, chrX:71,141,289, plus strand): 5'-GCAGCAGCAGCAACAGCAACAGCAGCAGCAGCAGCAGCAGCAACAGCAACAGCAGCAGCA[G>A]CAACAGCAACAACAGCAACACCAGCAGCAACAGCAGCAACAGGCGGCTCCTCCCCAACCC-3'
Protein context (NP_005111.2, residues 2099-2119): QQQQQQQQQQ[Gln2109=]QQQQQQHQQQ